The following is an entry in ClinVar:

ClinVar aggregate classification (germline): Uncertain significance. Review status: criteria provided, multiple submitters, no conflicts (2 of 4 stars). 4 submissions from 4 submitters: Uncertain significance (3). 1 of the submissions does not count toward it. Last evaluated 2022-06-19.

Conditions:
Autosomal recessive limb-girdle muscular dystrophy type 2C (LGMDR5). Also called: MUSCULAR DYSTROPHY, DUCHENNE-LIKE; MUSCULAR DYSTROPHY, LIMB-GIRDLE, AUTOSOMAL RECESSIVE 5. Identifiers: Orphanet 353, MedGen C0410173, MONDO:0009677, OMIM 253700. Disease mechanism: Affects gamma-sarcoglycan and also disrupts the integrity of the entire sarcoglycan complex..

Allele frequency attached by ClinVar (database versions not stated): gnomAD 0.00001 and 0.00002; ExAC 0.00002; gnomAD exomes 0.00002 and 0.00003; ESP Exome Variant Server 0.00008.
gnomAD v4.1: 34 of 1,612,672 alleles (0.0021%); highest among the groups gnomAD compares: Admixed American, 0.0067%; 1 homozygote.

Submissions (4):

Labcorp Genetics (formerly Invitae), Labcorp
Classification: Uncertain significance for Autosomal recessive limb-girdle muscular dystrophy type 2C. Last evaluated: 2022-06-19. Review status: criteria provided, single submitter. Criteria: Invitae Variant Classification Sherloc (09022015). Collection method: clinical testing. Allele origin: germline.
Comment: This sequence change replaces arginine, which is basic and polar, with histidine, which is basic and polar, at codon 79 of the SGCG protein (p.Arg79His). This variant is present in population databases (rs375766013, gnomAD 0.01%). This variant has not been reported in the literature in individuals affected with SGCG-related conditions. ClinVar contains an entry for this variant (Variation ID: 289563). Algorithms developed to predict the effect of missense changes on protein structure and function output the following: SIFT: "Deleterious"; PolyPhen-2: "Benign"; Align-GVGD: "Class C0". The histidine amino acid residue is found in multiple mammalian species, which suggests that this missense change does not adversely affect protein function. In summary, the available evidence is currently insufficient to determine the role of this variant in disease. Therefore, it has been classified as a Variant of Uncertain Significance.

Revvity Omics, Revvity
Classification: Uncertain significance for Autosomal recessive limb-girdle muscular dystrophy type 2C. Last evaluated: 2019-10-08. Review status: criteria provided, single submitter. Criteria: ACMG Guidelines, 2015. Collection method: clinical testing. Allele origin: germline.

Eurofins Ntd Llc (ga)
Classification: Uncertain significance. Last evaluated: 2016-07-25. Review status: criteria provided, single submitter. Criteria: EGL Classification Definitions 2015. Collection method: clinical testing. Allele origin: germline. Observed: 1 variant allele, 1 heterozygote.

Natera, Inc.
Classification: Uncertain significance for Limb-girdle muscular dystrophy type 2C. Last evaluated: 2020-01-31. Review status: no assertion criteria provided. Collection method: clinical testing. Allele origin: germline. Not counted in ClinVar's aggregate classification.

NM_000231.3(SGCG):c.236G>A (p.Arg79His)

Gene: SGCG (sarcoglycan gamma; plus strand). Cytogenetic location: 13q12.12.
Variant type: single nucleotide variant.
Coding change: c.236G>A on transcript NM_000231.3 (MANE Select); coding-DNA position 236, G replaced by A.
Protein change: p.Arg79His; replaces arginine 79 with histidine.
Molecular consequence: missense variant.
Genome position (GRCh38, 1-based): chr13:23,234,651, G>A. VCF-style: chr13-23234651-G-A. GRCh37 (hg19) VCF-style: chr13-23808790-G-A.
Other names: c.290G>A, p.Arg97His (NM_001378244.1); c.236G>A, p.Arg79His (NM_001378245.1, NM_001378246.1); short protein forms R79H, R97H.
Identifiers: ClinVar variation 289563 (VCV000289563.15), dbSNP rs375766013, ClinGen allele CA6909616.